The following is an entry in ClinVar:

NM_145331.3(MAP3K7):c.1210+3A>G

Gene: MAP3K7 (mitogen-activated protein kinase kinase kinase 7; minus strand). Cytogenetic location: 6q15.
Variant type: single nucleotide variant.
Coding change: c.1210+3A>G on transcript NM_145331.3 (MANE Select); 3 bases into the intron after coding-DNA position 1210, A replaced by G.
Molecular consequence: intron variant.
Genome position (GRCh38, 1-based): chr6:90,547,255, T>C on the plus strand (A>G on the coding strand, the complement: MAP3K7 is on the minus strand). VCF-style: chr6-90547255-T-C. GRCh37 (hg19) VCF-style: chr6-91256974-T-C.
Other names: c.1210+3A>G (NM_145333.3, NM_003188.4, NM_145332.3).
Identifiers: ClinVar variation 4739592 (VCV004739592.1).

ClinVar aggregate classification (germline): Uncertain significance (1 of 4 stars; one submission).

Submission:

Labcorp Genetics (formerly Invitae), Labcorp
Classification: Uncertain significance. Last evaluated: 2025-11-05. Review status: criteria provided, single submitter. Criteria: Invitae Variant Classification Sherloc (09022015). Collection method: clinical testing. Allele origin: germline.
Comment: This sequence change falls in intron 11 of the MAP3K7 gene. It does not directly change the encoded amino acid sequence of the MAP3K7 protein. It affects a nucleotide within the consensus splice site. This variant is present in population databases (rs138195040, gnomAD 0.005%). This variant has been observed in individual(s) with cardiospondylocarpofacial syndrome (internal data). Variants that disrupt the consensus splice site are a relatively common cause of aberrant splicing (PMID: 17576681, 9536098). Algorithms developed to predict the effect of sequence changes on RNA splicing suggest that this variant may disrupt the consensus splice site. In summary, the available evidence is currently insufficient to determine the role of this variant in disease. Therefore, it has been classified as a Variant of Uncertain Significance.

Literature cited by the submitters: PubMed 17576681; PubMed 9536098.